The following is an entry in ClinVar:

NM_000222.3(KIT):c.604del (p.Ile201_Leu202insTer)

Gene: KIT (KIT proto-oncogene, receptor tyrosine kinase; plus strand). Cytogenetic location: 4q12.
Variant type: Deletion.
Coding change: c.604del on transcript NM_000222.3 (MANE Select); coding-DNA position 604, one base deleted (C; older notation c.604delC).
Protein change: p.Ile201_Leu202insTer.
Molecular consequence: nonsense.
Genome position (GRCh38, 1-based): chr4:54,698,550, C deleted; the last of 2 consecutive C bases (chr4:54,698,549-54,698,550); deleting either gives the same sequence. VCF-style (leftmost placement, unchanged base first): chr4-54698548-TC-T. GRCh37 (hg19) VCF-style: chr4-55564714-TC-T.
Other names: c.604del, p.Ile201_Leu202insTer (NM_001093772.2, NM_001385284.1, NM_001385285.1 and 4 more transcripts).
Identifiers: ClinVar variation 3014468 (VCV003014468.3), dbSNP rs2475452735, ClinGen allele CA2740091282.

ClinVar aggregate classification (germline): Pathogenic (1 of 4 stars; one submission).

Conditions:
Gastrointestinal stromal tumor. Also called: Gastrointestinal stromal tumor, somatic; Gastrointestinal stroma tumor. Identifiers: Orphanet 44890, MedGen C0238198, MeSH D046152, MONDO:0011719, OMIM 606764, HP:0100723.

Submission:

Labcorp Genetics (formerly Invitae), Labcorp
Classification: Pathogenic for Gastrointestinal stromal tumor. Last evaluated: 2024-12-27. Review status: criteria provided, single submitter. Criteria: Invitae Variant Classification Sherloc (09022015). Collection method: clinical testing. Allele origin: germline.
Comment: This sequence change creates a premature translational stop signal (p.Leu202*) in the KIT gene. It is expected to result in an absent or disrupted protein product. Loss-of-function variants in KIT are known to be pathogenic (PMID: 15194144). This variant is not present in population databases (gnomAD no frequency). This variant has not been reported in the literature in individuals affected with KIT-related conditions. ClinVar contains an entry for this variant (Variation ID: 3014468). For these reasons, this variant has been classified as Pathogenic.

Literature cited by the submitters: PubMed 15194144.